The following is an entry in ClinVar:

ClinVar aggregate classification (germline): Uncertain significance (1 of 4 stars; one submission).

Submission:

Labcorp Genetics (formerly Invitae), Labcorp
Classification: Uncertain significance. Last evaluated: 2022-01-14. Review status: criteria provided, single submitter. Criteria: Invitae Variant Classification Sherloc (09022015). Collection method: clinical testing. Allele origin: germline.
Comment: In summary, the available evidence is currently insufficient to determine the role of this variant in disease. Therefore, it has been classified as a Variant of Uncertain Significance. Algorithms developed to predict the effect of missense changes on protein structure and function (SIFT, PolyPhen-2, Align-GVGD) all suggest that this variant is likely to be tolerated. This variant has not been reported in the literature in individuals affected with OTOA-related conditions. This variant is not present in population databases (gnomAD no frequency). This sequence change replaces threonine, which is neutral and polar, with isoleucine, which is neutral and non-polar, at codon 386 of the OTOA protein (p.Thr386Ile).

NM_144672.4(OTOA):c.1157C>T (p.Thr386Ile)

Gene: OTOA (otoancorin). Cytogenetic location: 16p12.2.
Variant type: single nucleotide variant.
Coding change: c.1157C>T on transcript NM_144672.4 (MANE Select); coding-DNA position 1157, C replaced by T.
Protein change: p.Thr386Ile; replaces threonine 386 with isoleucine.
Molecular consequence: missense variant.
Genome position (GRCh38, 1-based): chr16:21,709,940, C>T. VCF-style: chr16-21709940-C-T. GRCh37 (hg19) VCF-style: chr16-21721261-C-T.
Other names: c.920C>T, p.Thr307Ile (NM_001161683.2); c.185C>T, p.Thr62Ile (NM_170664.3); short protein forms T386I, T62I, T307I.
Identifiers: ClinVar variation 1373573 (VCV001373573.8), dbSNP rs2141688507, ClinGen allele CA395062184.